The following is an entry in ClinVar:

ClinVar aggregate classification (germline): Likely benign. Review status: criteria provided, multiple submitters, no conflicts (2 of 4 stars). 2 submissions from 2 submitters: Likely benign (2). Last evaluated 2026-05-23.

Conditions:
RAB23-related disorder. Also called: RAB23-related condition.
Carpenter syndrome. Identifiers: Orphanet 65759, MedGen C1275078, MONDO:0019012.

Allele frequency attached by ClinVar (database versions not stated): gnomAD 0.00001; gnomAD exomes 0.00001; ExAC 0.00002.
gnomAD v4.1: 10 of 1,609,732 alleles (0.00062%); highest among the groups gnomAD compares: Admixed American, 0.0017%; no homozygotes.

Submissions (2):

PreventionGenetics, part of Exact Sciences
Classification: Likely benign for RAB23-related condition. Last evaluated: 2026-05-23. Review status: criteria provided, single submitter. Criteria: ACMG Guidelines, 2015. Collection method: clinical testing. Allele origin: germline.
Comment: This variant is classified as likely benign based on ACMG/AMP sequence variant interpretation guidelines (Richards et al. 2015 PMID: 25741868, with internal and published modifications).

Labcorp Genetics (formerly Invitae), Labcorp
Classification: Likely benign for Carpenter syndrome. Last evaluated: 2024-01-18. Review status: criteria provided, single submitter. Criteria: Invitae Variant Classification Sherloc (09022015). Collection method: clinical testing. Allele origin: germline.

NM_016277.5(RAB23):c.399-7T>C

Gene: RAB23 (RAB23, member RAS oncogene family; minus strand). Cytogenetic location: 6p12.1.
Variant type: single nucleotide variant.
Coding change: c.399-7T>C on transcript NM_016277.5 (MANE Select); 7 bases into the intron before coding-DNA position 399, T replaced by C.
Molecular consequence: intron variant.
Genome position (GRCh38, 1-based): chr6:57,194,859, A>G on the plus strand (T>C on the coding strand, the complement: RAB23 is on the minus strand). VCF-style: chr6-57194859-A-G. GRCh37 (hg19) VCF-style: chr6-57059657-A-G.
Other names: c.399-7T>C (NM_001278666.2, NM_001278667.2, NM_001278668.2 and 2 more transcripts).
Identifiers: ClinVar variation 2140925 (VCV002140925.5), dbSNP rs750343611, ClinGen allele CA3873821.
Genomic context (GRCh38, chr6:57,194,859, plus strand): 5'-GATGTTCTGTAGAATCTTAACTTTAACCTTTTTGCCAGTGCCTCAGCTTCCTCACTGCAC[A>G]TCAATTTAAAAAAAAATGCTTTACAAAGGTGCCTTCTGATAGCTTGTTTTTTAAATCACT-3'